The following is an entry in ClinVar:

ClinVar aggregate classification (germline): Uncertain significance (1 of 4 stars; one submission).

Conditions:
Charcot-Marie-Tooth disease axonal type 2O. Also called: CHARCOT-MARIE-TOOTH NEUROPATHY, AXONAL, TYPE 2O; CHARCOT-MARIE-TOOTH DISEASE, AXONAL, AUTOSOMAL DOMINANT, TYPE 2O; Charcot-Marie-Tooth Neuropathy Type 2O; Charcot-Marie-Tooth disease, axonal, type 20. Identifiers: Orphanet 284232, MedGen C3280220, MONDO:0013644, OMIM 614228.

Submission:

Labcorp Genetics (formerly Invitae), Labcorp
Classification: Uncertain significance for Charcot-Marie-Tooth disease axonal type 2O. Last evaluated: 2025-12-10. Review status: criteria provided, single submitter. Criteria: Invitae Variant Classification Sherloc (09022015). Collection method: clinical testing. Allele origin: germline.
Comment: This sequence change replaces glycine, which is neutral and non-polar, with valine, which is neutral and non-polar, at codon 2400 of the DYNC1H1 protein (p.Gly2400Val). This variant is not present in population databases (gnomAD no frequency). This variant has not been reported in the literature in individuals affected with DYNC1H1-related conditions. Invitae Evidence Modeling of protein sequence and biophysical properties (such as structural, functional, and spatial information, amino acid conservation, physicochemical variation, residue mobility, and thermodynamic stability) indicates that this missense variant is not expected to disrupt DYNC1H1 protein function with a negative predictive value of 95%. In summary, the available evidence is currently insufficient to determine the role of this variant in disease. Therefore, it has been classified as a Variant of Uncertain Significance.

NM_001376.5(DYNC1H1):c.7199G>T (p.Gly2400Val)

Gene: DYNC1H1 (dynein cytoplasmic 1 heavy chain 1; plus strand). Cytogenetic location: 14q32.31.
Variant type: single nucleotide variant.
Coding change: c.7199G>T on transcript NM_001376.5 (MANE Select); coding-DNA position 7199, G replaced by T.
Protein change: p.Gly2400Val; replaces glycine 2400 with valine.
Molecular consequence: missense variant.
Genome position (GRCh38, 1-based): chr14:102,015,289, G>T. VCF-style: chr14-102015289-G-T. GRCh37 (hg19) VCF-style: chr14-102481626-G-T.
Other names: short protein forms G2400V.
Identifiers: ClinVar variation 4742616 (VCV004742616.1).